The following is an entry in ClinVar:

NM_025137.4(SPG11):c.2768A>G (p.Asp923Gly)

Gene: SPG11 (SPG11 vesicle trafficking associated, spatacsin; minus strand). Cytogenetic location: 15q21.1.
Variant type: single nucleotide variant.
Coding change: c.2768A>G on transcript NM_025137.4 (MANE Select); coding-DNA position 2768, A replaced by G.
Protein change: p.Asp923Gly; replaces aspartic acid 923 with glycine.
Molecular consequence: missense variant.
Genome position (GRCh38, 1-based): chr15:44,620,256, T>C on the plus strand (A>G on the coding strand, the complement: SPG11 is on the minus strand). VCF-style: chr15-44620256-T-C. GRCh37 (hg19) VCF-style: chr15-44912454-T-C.
Other names: c.2768A>G (NM_025137.3); c.2768A>G, p.Asp923Gly (NM_001160227.2); short protein forms D923G.
Identifiers: ClinVar variation 1467472 (VCV001467472.7), dbSNP rs772514266, ClinGen allele CA7535147.
Genomic context (GRCh38, chr15:44,620,256, plus strand): 5'-AGCTTATCTAAAATTTCATTCCTCATGTAGTTGTTACAGGAAGTATTCTGGTTAATAACA[T>C]CAACAGTCAGAAGGGGCCATTTGTTCTGCTGAAGTGAAGCATAACTATGCTGGGTTTGAA-3'
Protein context (NP_079413.3, residues 913-933): QQNKWPLLTV[Asp923Gly]VINQNTSCNN

ClinVar aggregate classification (germline): Uncertain significance. Review status: criteria provided, multiple submitters, no conflicts (2 of 4 stars). 2 submissions from 2 submitters: Uncertain significance (2). Last evaluated 2025-10-23.

Conditions:
Inborn genetic diseases. Identifiers: MedGen C0950123, MeSH D030342.
Hereditary spastic paraplegia 11. Also called: Spastic Paraplegia 11; Nakamura Osame syndrome; Autosomal recessive hereditary spastic paraplegia, mental impairment, and thin corpus callosum; SPASTIC PARAPLEGIA, AUTOSOMAL RECESSIVE, COMPLICATED, WITH THIN CORPUS CALLOSUM; SPASTIC PARAPLEGIA, AUTOSOMAL RECESSIVE, WITH MENTAL IMPAIRMENT AND THIN CORPUS CALLOSUM; Spastic paraplegia, mental retardation and thin corpus callosum. Identifiers: Orphanet 2822, MedGen C1858479, MONDO:0011445, OMIM 604360.

Allele frequency attached by ClinVar (database versions not stated): TOPMed 0.00001; gnomAD exomes 0.00002; ExAC 0.00003.

Submissions (2):

Labcorp Genetics (formerly Invitae), Labcorp
Classification: Uncertain significance for Hereditary spastic paraplegia 11. Last evaluated: 2025-10-23. Review status: criteria provided, single submitter. Criteria: Invitae Variant Classification Sherloc (09022015). Collection method: clinical testing. Allele origin: germline.
Comment: This sequence change replaces aspartic acid, which is acidic and polar, with glycine, which is neutral and non-polar, at codon 923 of the SPG11 protein (p.Asp923Gly). This variant is present in population databases (rs772514266, gnomAD 0.01%). This variant has not been reported in the literature in individuals affected with SPG11-related conditions. ClinVar contains an entry for this variant (Variation ID: 1467472). Invitae Evidence Modeling of protein sequence and biophysical properties (such as structural, functional, and spatial information, amino acid conservation, physicochemical variation, residue mobility, and thermodynamic stability) has been performed for this missense variant. However, the output from this modeling did not meet the statistical confidence thresholds required to predict the impact of this variant on SPG11 protein function. In summary, the available evidence is currently insufficient to determine the role of this variant in disease. Therefore, it has been classified as a Variant of Uncertain Significance.

Ambry Genetics
Classification: Uncertain significance for Inborn genetic diseases. Last evaluated: 2024-12-10. Review status: criteria provided, single submitter. Criteria: Ambry Variant Classification Scheme 2023. Collection method: clinical testing. Allele origin: germline.